The following is an entry in ClinVar:

ClinVar aggregate classification (germline): Conflicting classifications of pathogenicity. Review status: criteria provided, conflicting classifications (1 of 4 stars). 2 submissions from 2 submitters: Pathogenic (1); Uncertain significance (1). Last evaluated 2026-01-09.

Conditions:
Hereditary cancer-predisposing syndrome. Also called: Neoplastic Syndromes, Hereditary; Tumor predisposition; Hereditary neoplastic syndrome; Hereditary Cancer Syndrome. Identifiers: Orphanet 140162, MedGen C0027672, MeSH D009386, MONDO:0015356.

Allele frequency attached by ClinVar (database versions not stated): gnomAD 0.00001; gnomAD exomes below 0.00001; TOPMed 0.00002.

Submissions (2):

Ambry Genetics
Classification: Uncertain significance for Hereditary cancer-predisposing syndrome. Last evaluated: 2026-01-09. Review status: criteria provided, single submitter. Criteria: Ambry Variant Classification Scheme 2023. Collection method: clinical testing. Allele origin: germline.
Comment: The c.5174-1G>T intronic variant results from a G to T substitution one nucleotide upstream from coding exon 39 of the POLE gene. This nucleotide position is highly conserved in available vertebrate species. In silico splice site analysis predicts that this alteration will weaken the native splice acceptor site and will result in the creation or strengthening of a novel splice acceptor site. RNA studies have demonstrated that this alteration results in abnormal splicing in the set of samples tested (Ambry internal data). Alterations that disrupt the canonical splice site are expected to cause aberrant splicing, resulting in an abnormal protein or a transcript that is subject to nonsense-mediated mRNA decay. Although biallelic loss of function of POLE has been associated with autosomal recessive POLE deficiency, haploinsufficiency of POLE has not been established as a mechanism of disease for POLE-related polymerase proofreading-associated polyposis (PPAP) and POLE-related CMMRD-like syndrome. Based on the supporting evidence, this variant is expected to be causative of POLE deficiency when present along with a second pathogenic variant on the other allele; however, its clinical significance for PPAP and POLE-related CMMRD-like syndrome is unclear.

Labcorp Genetics (formerly Invitae), Labcorp
Classification: Pathogenic. Last evaluated: 2025-09-03. Review status: criteria provided, single submitter. Criteria: Invitae Variant Classification Sherloc (09022015). Collection method: clinical testing. Allele origin: germline.
Comment: This sequence change affects an acceptor splice site in intron 38 of the POLE gene. RNA analysis indicates that disruption of this splice site induces altered splicing and may result in an absent or altered protein product. This variant is present in population databases (rs5744954, gnomAD 0.007%). This variant has not been reported in the literature in individuals affected with POLE-related conditions. ClinVar contains an entry for this variant (Variation ID: 473714). Studies have shown that disruption of this splice site results in skipping of exon 39, and produces a non-functional protein and/or introduces a premature termination codon (internal data). For these reasons, this variant has been classified as Pathogenic.

NM_006231.4(POLE):c.5174-1G>T

Gene: POLE (DNA polymerase epsilon, catalytic subunit; minus strand). Cytogenetic location: 12q24.33.
Variant type: single nucleotide variant.
Coding change: c.5174-1G>T on transcript NM_006231.4 (MANE Select); the canonical splice acceptor site of the intron before coding-DNA position 5174, G replaced by T.
Molecular consequence: splice acceptor variant.
Genome position (GRCh38, 1-based): chr12:132,641,852, C>A on the plus strand (G>T on the coding strand, the complement: POLE is on the minus strand). VCF-style: chr12-132641852-C-A. GRCh37 (hg19) VCF-style: chr12-133218438-C-A.
Identifiers: ClinVar variation 473714 (VCV000473714.17), dbSNP rs5744954, ClinGen allele CA246302913.